The following is an entry in ClinVar:

NM_016532.4(INPP5K):c.693G>A (p.Pro231=)

Gene: INPP5K (inositol polyphosphate-5-phosphatase K; minus strand). Cytogenetic location: 17p13.3.
Variant type: single nucleotide variant.
Coding change: c.693G>A on transcript NM_016532.4 (MANE Select); coding-DNA position 693, G replaced by A.
Protein change: p.Pro231=; no amino-acid change (proline 231 retained).
Molecular consequence: synonymous variant.
Genome position (GRCh38, 1-based): chr17:1,507,063, C>T on the plus strand (G>A on the coding strand, the complement: INPP5K is on the minus strand). VCF-style: chr17-1507063-C-T. GRCh37 (hg19) VCF-style: chr17-1410357-C-T.
Other names: c.465G>A, p.Pro155= (NM_001135642.2, NM_130766.3).
Identifiers: ClinVar variation 788743 (VCV000788743.37), dbSNP rs151311702, ClinGen allele CA8268507.

ClinVar aggregate classification (germline): Benign/Likely benign. Review status: criteria provided, multiple submitters, no conflicts (2 of 4 stars). 4 submissions from 4 submitters: Benign (1); Likely benign (1). 2 of the submissions do not count toward it. Last evaluated 2024-05-01.

Allele frequency attached by ClinVar (database versions not stated): ESP Exome Variant Server 0.00015; TOPMed 0.00027; 1000 Genomes Project 30x 0.00031; 1000 Genomes Project 0.00040; ExAC 0.00065; gnomAD exomes 0.00075; gnomAD 0.00076 and 0.00080.
gnomAD v4.1: 1,040 of 1,613,966 alleles (0.064%); highest among the groups gnomAD compares: South Asian, 0.15%; 5 homozygotes.

Submissions (4):

CeGaT Center for Human Genetics Tuebingen
Classification: Likely benign. Last evaluated: 2024-05-01. Review status: criteria provided, single submitter. Criteria: CeGaT Center For Human Genetics Tuebingen Variant Classification Criteria Version 2. Collection method: clinical testing. Allele origin: germline. Affected: yes. Observed: 2 variant alleles.
Comment: INPP5K: BP4, BP7, BS2

Labcorp Genetics (formerly Invitae), Labcorp
Classification: Benign. Last evaluated: 2019-12-31. Review status: criteria provided, single submitter. Criteria: Invitae Variant Classification Sherloc (09022015). Collection method: clinical testing. Allele origin: germline.

Clinical Genetics DNA and cytogenetics Diagnostics Lab, Erasmus MC, Erasmus Medical Center
Classification: Likely benign. Review status: no assertion criteria provided. Collection method: clinical testing. Allele origin: germline. Affected: yes. Study: VKGL Data-share Consensus. Not counted in ClinVar's aggregate classification.

Genome Diagnostics Laboratory, University Medical Center Utrecht
Classification: Likely benign. Review status: no assertion criteria provided. Collection method: clinical testing. Allele origin: germline. Affected: yes. Study: VKGL Data-share Consensus. Not counted in ClinVar's aggregate classification.